The following is an entry in ClinVar:

NM_199355.4(ADAMTS18):c.719A>T (p.Glu240Val)

Gene: ADAMTS18 (ADAM metallopeptidase with thrombospondin type 1 motif 18; minus strand). Cytogenetic location: 16q23.1.
Variant type: single nucleotide variant.
Coding change: c.719A>T on transcript NM_199355.4 (MANE Select); coding-DNA position 719, A replaced by T.
Protein change: p.Glu240Val; replaces glutamic acid 240 with valine.
Molecular consequence: missense variant. On other transcripts: nonsense (1).
Genome position (GRCh38, 1-based): chr16:77,367,500, T>A on the plus strand (A>T on the coding strand, the complement: ADAMTS18 is on the minus strand). VCF-style: chr16-77367500-T-A. GRCh37 (hg19) VCF-style: chr16-77401397-T-A.
Other names: c.199A>T (NM_001326358.1); c.199A>T, p.Arg67Ter (NM_001326358.2); short protein forms R67*, E240V.
Identifiers: ClinVar variation 1941724 (VCV001941724.4), dbSNP rs748200917, ClinGen allele CA396823990.

ClinVar aggregate classification (germline): Conflicting classifications of pathogenicity. Review status: criteria provided, conflicting classifications (1 of 4 stars). 3 submissions from 3 submitters: Likely pathogenic (1); Uncertain significance (2). Last evaluated 2023-01-25.

Conditions:
ADAMTS18-related disorder. Also called: ADAMTS18-related condition.

gnomAD v4.1: 4 of 1,614,226 alleles (0.00025%); highest among the groups gnomAD compares: Admixed American, 0.0033%; no homozygotes.

Submissions (3):

PreventionGenetics, part of Exact Sciences
Classification: Likely pathogenic for ADAMTS18-related condition. Last evaluated: 2023-01-25. Review status: criteria provided, single submitter. Criteria: ACMG Guidelines, 2015. Collection method: clinical testing. Allele origin: germline.
Comment: The ADAMTS18 c.199A>T variant is predicted to result in premature protein termination (p.Arg67*). To our knowledge, this variant has not been reported in the literature. This variant is reported in 0.0029% of alleles in individuals of Latino descent in gnomAD. Nonsense variants in ADAMTS18 are expected to be pathogenic. Pathogenic protein chain terminating variants have been reported upstream and downstream of this variant, providing further evidence of pathogenicity for this variant. This variant is interpreted as likely pathogenic.

Labcorp Genetics (formerly Invitae), Labcorp
Classification: Uncertain significance. Last evaluated: 2022-04-08. Review status: criteria provided, single submitter. Criteria: Invitae Variant Classification Sherloc (09022015). Collection method: clinical testing. Allele origin: germline.
Comment: This sequence change replaces glutamic acid, which is acidic and polar, with valine, which is neutral and non-polar, at codon 240 of the ADAMTS18 protein (p.Glu240Val). This variant is present in population databases (no rsID available, gnomAD 0.003%). This variant has not been reported in the literature in individuals affected with ADAMTS18-related conditions. Algorithms developed to predict the effect of missense changes on protein structure and function are either unavailable or do not agree on the potential impact of this missense change (SIFT: "Not Available"; PolyPhen-2: "Benign"; Align-GVGD: "Not Available"). In summary, the available evidence is currently insufficient to determine the role of this variant in disease. Therefore, it has been classified as a Variant of Uncertain Significance.

Blueprint Genetics
Classification: Uncertain significance. Last evaluated: 2018-11-23. Review status: criteria provided, single submitter. Criteria: ACMG Guidelines, 2015. Collection method: clinical testing. Allele origin: germline.